The following is an entry in ClinVar:

NM_003680.4(YARS1):c.*284A>G

Gene: YARS1 (tyrosyl-tRNA synthetase 1; minus strand). Cytogenetic location: 1p35.1.
Variant type: single nucleotide variant.
Coding change: c.*284A>G on transcript NM_003680.4 (MANE Select); 284 bases downstream of the stop codon, A replaced by G.
Molecular consequence: 3 prime UTR variant.
Genome position (GRCh38, 1-based): chr1:32,775,697, T>C on the plus strand (A>G on the coding strand, the complement: YARS1 is on the minus strand). VCF-style: chr1-32775697-T-C. GRCh37 (hg19) VCF-style: chr1-33241298-T-C.
Identifiers: ClinVar variation 297145 (VCV000297145.7), dbSNP rs150690731, ClinGen allele CA10610976.

ClinVar aggregate classification (germline): Benign/Likely benign. Review status: criteria provided, multiple submitters, no conflicts (2 of 4 stars). 2 submissions from 2 submitters: Benign (1); Likely benign (1). Last evaluated 2018-12-13.

Conditions:
Charcot-Marie-Tooth disease dominant intermediate C (CMTDIC). Also called: CHARCOT-MARIE-TOOTH NEUROPATHY, DOMINANT INTERMEDIATE C. Identifiers: Orphanet 100045, MedGen C1842237, MONDO:0012012, OMIM 608323.

Allele frequency attached by ClinVar (database versions not stated): gnomAD exomes 0.00042; gnomAD 0.00332 and 0.00347; TOPMed 0.00373; 1000 Genomes Project 0.00399; 1000 Genomes Project 30x 0.00406.
gnomAD v4.1: 656 of 503,422 alleles (0.13%); highest among the groups gnomAD compares: African/African-American, 1.2%; 5 homozygotes.

Submissions (2):

GeneDx
Classification: Likely benign. Last evaluated: 2018-12-13. Review status: criteria provided, single submitter. Criteria: GeneDx Variant Classification Process June 2021. Collection method: clinical testing. Allele origin: germline. Affected: yes.

Illumina Laboratory Services, Illumina
Classification: Benign for Charcot-Marie-Tooth disease dominant intermediate C. Last evaluated: 2018-01-12. Review status: criteria provided, single submitter. Criteria: ICSL Variant Classification Criteria 13 December 2019. Collection method: clinical testing. Allele origin: germline.
Comment: This variant was observed in the ICSL laboratory as part of a predisposition screen in an ostensibly healthy population. It had not been previously curated by ICSL or reported in the Human Gene Mutation Database (HGMD: prior to June 1st, 2018), and was therefore a candidate for classification through an automated scoring system. Utilizing variant allele frequency, disease prevalence and penetrance estimates, and inheritance mode, an automated score was calculated to assess if this variant is too frequent to cause the disease. Based on the score and internal cut-off values, a variant classified as benign is not then subjected to further curation. The score for this variant resulted in a classification of benign for this disease.